The following is an entry in ClinVar:

ClinVar aggregate classification (germline): Uncertain significance (1 of 4 stars; one submission).

Conditions:
Chuvash polycythemia. Also called: POLYCYTHEMIA, VHL-DEPENDENT. Identifiers: Orphanet 238557, MedGen C1837915, MONDO:0009892, OMIM 263400.
Von Hippel-Lindau syndrome (VHLS). Also called: VHL syndrome; von Hippel–Lindau syndrome; Von Hippel-Lindau. Identifiers: Orphanet 892, MedGen C0019562, MONDO:0008667, OMIM 193300. Disease mechanism: loss of function.

Allele frequency attached by ClinVar (database versions not stated): gnomAD exomes below 0.00001 and 0.00001; ExAC 0.00001.
gnomAD v4.1: 7 of 1,614,204 alleles (0.00043%); highest among the groups gnomAD compares: African/African-American, 0.0013%; no homozygotes.

Submission:

Labcorp Genetics (formerly Invitae), Labcorp
Classification: Uncertain significance for Von Hippel-Lindau syndrome; Chuvash polycythemia. Last evaluated: 2020-09-24. Review status: criteria provided, single submitter. Criteria: Invitae Variant Classification Sherloc (09022015). Collection method: clinical testing. Allele origin: germline.
Comment: In summary, the available evidence is currently insufficient to determine the role of this variant in disease. Therefore, it has been classified as a Variant of Uncertain Significance. This sequence change replaces arginine with serine at codon 176 of the VHL protein (p.Arg176Ser). The arginine residue is moderately conserved and there is a moderate physicochemical difference between arginine and serine. This variant is present in population databases (rs762748790, ExAC 0.002%). This variant has not been reported in the literature in individuals with VHL-related conditions. Advanced modeling of protein sequence and biophysical properties (such as structural, functional, and spatial information, amino acid conservation, physicochemical variation, residue mobility, and thermodynamic stability) performed at Invitae indicates that this missense variant is expected to disrupt VHL protein function.

NM_000551.4(VHL):c.528G>T (p.Arg176Ser)

Genes: VHL (von Hippel-Lindau tumor suppressor; plus strand), LOC107303340 (3p25 von Hippel-Lindau tumor suppressor, E3 ubiquitin protein ligase Alu-mediated recombination region; plus strand). Cytogenetic location: 3p25.3.
Variant type: single nucleotide variant.
Coding change: c.528G>T on transcript NM_000551.4 (MANE Select); coding-DNA position 528, G replaced by T.
Protein change: p.Arg176Ser; replaces arginine 176 with serine.
Molecular consequence: missense variant. On other transcripts: 3 prime UTR variant (1).
Genome position (GRCh38, 1-based): chr3:10,149,851, G>T. VCF-style: chr3-10149851-G-T. GRCh37 (hg19) VCF-style: chr3-10191535-G-T.
Other names: c.*82G>T (NM_001354723.2); c.405G>T, p.Arg135Ser (NM_198156.3); short protein forms R135S, R176S.
Identifiers: ClinVar variation 1014559 (VCV001014559.9), dbSNP rs762748790, ClinGen allele CA041381.